The following is an entry in ClinVar:

NM_014317.5(PDSS1):c.683T>C (p.Ile228Thr)

Gene: PDSS1 (decaprenyl diphosphate synthase subunit 1; plus strand). Cytogenetic location: 10p12.1.
Variant type: single nucleotide variant.
Coding change: c.683T>C on transcript NM_014317.5 (MANE Select); coding-DNA position 683, T replaced by C.
Protein change: p.Ile228Thr; replaces isoleucine 228 with threonine.
Molecular consequence: missense variant.
Genome position (GRCh38, 1-based): chr10:26,723,879, T>C. VCF-style: chr10-26723879-T-C. GRCh37 (hg19) VCF-style: chr10-27012808-T-C.
Other names: c.683T>C, p.Ile228Thr (NM_001321978.2); c.173T>C, p.Ile58Thr (NM_001321979.2); short protein forms I58T, I228T.
Identifiers: ClinVar variation 1922650 (VCV001922650.2), dbSNP rs1473236456, ClinGen allele CA376348251.

ClinVar aggregate classification (germline): Uncertain significance (1 of 4 stars; one submission).

Allele frequency attached by ClinVar (database versions not stated): TOPMed below 0.00001; gnomAD 0.00001; gnomAD exomes 0.00004.
gnomAD v4.1: 61 of 1,612,818 alleles (0.0038%); highest among the groups gnomAD compares: Admixed American, 0.005%; no homozygotes.

Submission:

Labcorp Genetics (formerly Invitae), Labcorp
Classification: Uncertain significance. Last evaluated: 2022-08-09. Review status: criteria provided, single submitter. Criteria: Invitae Variant Classification Sherloc (09022015). Collection method: clinical testing. Allele origin: germline.
Comment: This sequence change replaces isoleucine, which is neutral and non-polar, with threonine, which is neutral and polar, at codon 228 of the PDSS1 protein (p.Ile228Thr). This variant is present in population databases (no rsID available, gnomAD 0.009%). This variant has not been reported in the literature in individuals affected with PDSS1-related conditions. Algorithms developed to predict the effect of missense changes on protein structure and function output the following: SIFT: "Not Available"; PolyPhen-2: "Benign"; Align-GVGD: "Not Available". The threonine amino acid residue is found in multiple mammalian species, which suggests that this missense change does not adversely affect protein function. In summary, the available evidence is currently insufficient to determine the role of this variant in disease. Therefore, it has been classified as a Variant of Uncertain Significance.